The following is an entry in ClinVar:

NM_000059.4(BRCA2):c.10246A>G (p.Lys3416Glu)

Gene: BRCA2 (BRCA2 DNA repair associated; plus strand). Cytogenetic location: 13q13.1.
Variant type: single nucleotide variant.
Coding change: c.10246A>G on transcript NM_000059.4 (MANE Select); coding-DNA position 10246, A replaced by G.
Protein change: p.Lys3416Glu; replaces lysine 3416 with glutamic acid.
Molecular consequence: missense variant.
Genome position (GRCh38, 1-based): chr13:32,398,759, A>G. VCF-style: chr13-32398759-A-G. GRCh37 (hg19) VCF-style: chr13-32972896-A-G.
Other names: short protein forms K3416E.
Identifiers: ClinVar variation 1430841 (VCV001430841.8), dbSNP rs1555290085, ClinGen allele CA387768658.

ClinVar aggregate classification (germline): Uncertain significance (1 of 4 stars; one submission).

Conditions:
Hereditary breast ovarian cancer syndrome. Also called: Hereditary breast and ovarian cancer syndrome (HBOC); Breast and ovarian cancer; BRCA1- and BRCA2-Associated Hereditary Breast and Ovarian Cancer; Hereditary breast and/or ovarian cancer syndrome; Hereditary breast and ovarian cancer; Hereditary breast and ovarian cancer syndrome. Identifiers: Orphanet 145, MedGen C0677776, MeSH D061325, MONDO:0003582. Disease mechanism: loss of function.

Submission:

Labcorp Genetics (formerly Invitae), Labcorp
Classification: Uncertain significance for Hereditary breast ovarian cancer syndrome. Last evaluated: 2022-06-26. Review status: criteria provided, single submitter. Criteria: Invitae Variant Classification Sherloc (09022015). Collection method: clinical testing. Allele origin: germline.
Comment: In summary, the available evidence is currently insufficient to determine the role of this variant in disease. Therefore, it has been classified as a Variant of Uncertain Significance. Advanced modeling of protein sequence and biophysical properties (such as structural, functional, and spatial information, amino acid conservation, physicochemical variation, residue mobility, and thermodynamic stability) performed at Invitae indicates that this missense variant is not expected to disrupt BRCA2 protein function. This missense change has been observed in individual(s) with breast cancer (PMID: 29409476). This variant is not present in population databases (gnomAD no frequency). This sequence change replaces lysine, which is basic and polar, with glutamic acid, which is acidic and polar, at codon 3416 of the BRCA2 protein (p.Lys3416Glu).

Literature cited by the submitters: PubMed 29409476.